The following is an entry in ClinVar:

ClinVar aggregate classification (germline): Uncertain significance. Review status: criteria provided, multiple submitters, no conflicts (2 of 4 stars). 2 submissions from 2 submitters: Uncertain significance (2). Last evaluated 2024-02-28.

Conditions:
Cranioectodermal dysplasia 2 (CED2). Identifiers: Orphanet 1515, MedGen C3150874, MONDO:0013323, OMIM 613610.
Short-rib thoracic dysplasia 7 with or without polydactyly (SRTD7). Also called: Short rib polydactyly syndrome 5; SHORT-RIB THORACIC DYSPLASIA 7 WITH POLYDACTYLY. Identifiers: Orphanet 498497, Orphanet 93271, MedGen C3279792, MONDO:0013569, OMIM 614091.

Allele frequency attached by ClinVar (database versions not stated): TOPMed 0.00001; gnomAD 0.00002; gnomAD exomes 0.00002; ExAC 0.00006; 1000 Genomes Project 30x 0.00047; 1000 Genomes Project 0.00060.
gnomAD v4.1: 28 of 1,613,810 alleles (0.0017%); highest among the groups gnomAD compares: South Asian, 0.025%; no homozygotes.

Submissions (2):

Blueprint Genetics
Classification: Uncertain significance. Last evaluated: 2024-02-28. Review status: criteria provided, single submitter. Criteria: ACMG Guidelines, 2015. Collection method: clinical testing. Allele origin: germline.

Labcorp Genetics (formerly Invitae), Labcorp
Classification: Uncertain significance for Cranioectodermal dysplasia 2; Short-rib thoracic dysplasia 7 with or without polydactyly. Last evaluated: 2023-07-17. Review status: criteria provided, single submitter. Criteria: Invitae Variant Classification Sherloc (09022015). Collection method: clinical testing. Allele origin: germline.
Comment: In summary, the available evidence is currently insufficient to determine the role of this variant in disease. Therefore, it has been classified as a Variant of Uncertain Significance. Advanced modeling of protein sequence and biophysical properties (such as structural, functional, and spatial information, amino acid conservation, physicochemical variation, residue mobility, and thermodynamic stability) performed at Invitae indicates that this missense variant is not expected to disrupt WDR35 protein function. This variant has not been reported in the literature in individuals affected with WDR35-related conditions. This variant is present in population databases (rs569910704, gnomAD 0.03%). This sequence change replaces leucine, which is neutral and non-polar, with valine, which is neutral and non-polar, at codon 663 of the WDR35 protein (p.Leu663Val).

NM_020779.4(WDR35):c.1954C>G (p.Leu652Val)

Gene: WDR35 (WD repeat domain 35; minus strand). Cytogenetic location: 2p24.1.
Variant type: single nucleotide variant.
Coding change: c.1954C>G on transcript NM_020779.4 (MANE Select); coding-DNA position 1954, C replaced by G.
Protein change: p.Leu652Val; replaces leucine 652 with valine.
Molecular consequence: missense variant.
Genome position (GRCh38, 1-based): chr2:19,938,374, G>C on the plus strand (C>G on the coding strand, the complement: WDR35 is on the minus strand). VCF-style: chr2-19938374-G-C. GRCh37 (hg19) VCF-style: chr2-20138135-G-C.
Other names: c.1987C>G, p.Leu663Val (NM_001006657.2); short protein forms L663V, L652V.
Identifiers: ClinVar variation 2951750 (VCV002951750.4), dbSNP rs569910704, ClinGen allele CA1543075.